The following is an entry in ClinVar:

ClinVar aggregate classification (germline): Uncertain significance (1 of 4 stars; one submission).

Conditions:
Hypertrophic cardiomyopathy. Also called: HYPERTROPHIC MYOCARDIOPATHY. Identifiers: Orphanet 217569, MedGen C0007194, MeSH D002312, MONDO:0005045, HP:0001639.

Submission:

Labcorp Genetics (formerly Invitae), Labcorp
Classification: Uncertain significance for Hypertrophic cardiomyopathy. Last evaluated: 2023-05-15. Review status: criteria provided, single submitter. Criteria: Invitae Variant Classification Sherloc (09022015). Collection method: clinical testing. Allele origin: germline.
Comment: This sequence change replaces alanine, which is neutral and non-polar, with valine, which is neutral and non-polar, at codon 22 of the TPM1 protein (p.Ala22Val). An algorithm developed to predict the effect of missense changes on protein structure and function (PolyPhen-2) suggests that this variant is likely to be disruptive. ClinVar contains an entry for this variant (Variation ID: 1388976). This variant has not been reported in the literature in individuals affected with TPM1-related conditions. This variant is not present in population databases (gnomAD no frequency). In summary, the available evidence is currently insufficient to determine the role of this variant in disease. Therefore, it has been classified as a Variant of Uncertain Significance.

NM_001018005.2(TPM1):c.65C>T (p.Ala22Val)

Gene: TPM1 (tropomyosin 1; plus strand). Cytogenetic location: 15q22.2.
Variant type: single nucleotide variant.
Coding change: c.65C>T on transcript NM_001018005.2 (MANE Select); coding-DNA position 65, C replaced by T.
Protein change: p.Ala22Val; replaces alanine 22 with valine.
Molecular consequence: missense variant.
Genome position (GRCh38, 1-based): chr15:63,042,894, C>T. VCF-style: chr15-63042894-C-T. GRCh37 (hg19) VCF-style: chr15-63335093-C-T.
Other names: c.65C>T, p.Ala22Val (NM_000366.6, NM_001018004.2, NM_001018006.2 and 7 more transcripts); short protein forms A22V.
Identifiers: ClinVar variation 1388976 (VCV001388976.8), dbSNP rs2031431973, ClinGen allele CA392718054.